The following is an entry in ClinVar:

NM_024642.5(GALNT12):c.367C>A (p.Pro123Thr)

Gene: GALNT12 (polypeptide N-acetylgalactosaminyltransferase 12; plus strand). Cytogenetic location: 9q22.33.
Variant type: single nucleotide variant.
Coding change: c.367C>A on transcript NM_024642.5 (MANE Select); coding-DNA position 367, C replaced by A.
Protein change: p.Pro123Thr; replaces proline 123 with threonine.
Molecular consequence: missense variant.
Genome position (GRCh38, 1-based): chr9:98,808,065, C>A. VCF-style: chr9-98808065-C-A. GRCh37 (hg19) VCF-style: chr9-101570347-C-A.
Other names: short protein forms P123T.
Identifiers: ClinVar variation 3711494 (VCV003711494.2).

ClinVar aggregate classification (germline): Uncertain significance (1 of 4 stars; one submission).

gnomAD v4.1: 2 of 1,577,272 alleles (0.00013%); highest among the groups gnomAD compares: Admixed American, 0.0018%; no homozygotes.

Submission:

Labcorp Genetics (formerly Invitae), Labcorp
Classification: Uncertain significance. Last evaluated: 2024-11-11. Review status: criteria provided, single submitter. Criteria: Invitae Variant Classification Sherloc (09022015). Collection method: clinical testing. Allele origin: germline.
Comment: This sequence change replaces proline, which is neutral and non-polar, with threonine, which is neutral and polar, at codon 123 of the GALNT12 protein (p.Pro123Thr). This variant is present in population databases (no rsID available, gnomAD 0.1%). This variant has not been reported in the literature in individuals affected with GALNT12-related conditions. Invitae Evidence Modeling of protein sequence and biophysical properties (such as structural, functional, and spatial information, amino acid conservation, physicochemical variation, residue mobility, and thermodynamic stability) indicates that this missense variant is not expected to disrupt GALNT12 protein function with a negative predictive value of 80%. In summary, the available evidence is currently insufficient to determine the role of this variant in disease. Therefore, it has been classified as a Variant of Uncertain Significance.